The following is an entry in ClinVar:

NM_001734.5(C1S):c.25C>T (p.Leu9Phe)

Gene: C1S (complement C1s; plus strand). Cytogenetic location: 12p13.31.
Variant type: single nucleotide variant.
Coding change: c.25C>T on transcript NM_001734.5 (MANE Select); coding-DNA position 25, C replaced by T.
Protein change: p.Leu9Phe; replaces leucine 9 with phenylalanine.
Molecular consequence: missense variant. On other transcripts: intron variant (1).
Genome position (GRCh38, 1-based): chr12:7,062,494, C>T. VCF-style: chr12-7062494-C-T. GRCh37 (hg19) VCF-style: chr12-7169798-C-T.
Other names: c.25C>T, p.Leu9Phe (NM_201442.4); c.-288-396C>T (NM_001346850.2); short protein forms L9F.
Identifiers: ClinVar variation 2976593 (VCV002976593.3), dbSNP rs1666197685, ClinGen allele CA383687327.

ClinVar aggregate classification (germline): Uncertain significance (1 of 4 stars; one submission).

Allele frequency attached by ClinVar (database versions not stated): gnomAD exomes below 0.00001.
gnomAD v4.1: 1 of 1,613,246 alleles (0.000062%); highest among the groups gnomAD compares: Non-Finnish European, 0.000085%; no homozygotes.

Submission:

Labcorp Genetics (formerly Invitae), Labcorp
Classification: Uncertain significance. Last evaluated: 2024-01-25. Review status: criteria provided, single submitter. Criteria: Invitae Variant Classification Sherloc (09022015). Collection method: clinical testing. Allele origin: germline.
Comment: This sequence change replaces leucine, which is neutral and non-polar, with phenylalanine, which is neutral and non-polar, at codon 9 of the C1S protein (p.Leu9Phe). This variant is not present in population databases (gnomAD no frequency). This variant has not been reported in the literature in individuals affected with C1S-related conditions. An algorithm developed to predict the effect of missense changes on protein structure and function (PolyPhen-2) suggests that this variant is likely to be tolerated. In summary, the available evidence is currently insufficient to determine the role of this variant in disease. Therefore, it has been classified as a Variant of Uncertain Significance.